The following is an entry in ClinVar:

ClinVar aggregate classification (germline): Conflicting classifications of pathogenicity. Review status: criteria provided, conflicting classifications (1 of 4 stars). 6 submissions from 6 submitters: Uncertain significance (1); Likely benign (5). Last evaluated 2026-07-01.

Conditions:
Familial acute necrotizing encephalopathy (IIAE3). Also called: Susceptibility to Acute Necrotizing Encephalopathy 1; ENCEPHALOPATHY, ACUTE, INFECTION-INDUCED, SUSCEPTIBILITY TO, 3. Identifiers: Orphanet 88619, MedGen C2675556, MONDO:0011953, OMIM 608033.

Allele frequency attached by ClinVar (database versions not stated): TOPMed 0.00012; 1000 Genomes Project 30x 0.00016; 1000 Genomes Project 0.00020; gnomAD exomes 0.00021 and 0.00034; ESP Exome Variant Server 0.00023; ExAC 0.00038; gnomAD 0.00048 and 0.00051.
gnomAD v4.1: 377 of 1,611,892 alleles (0.023%); highest among the groups gnomAD compares: Non-Finnish European, 0.022%; 1 homozygote.

Submissions (6):

CeGaT Center for Human Genetics Tuebingen
Classification: Likely benign. Last evaluated: 2026-07-01. Review status: criteria provided, single submitter. Criteria: CeGaT Center For Human Genetics Tuebingen Variant Classification Criteria Version 2. Collection method: clinical testing. Allele origin: germline. Affected: yes. Observed: 1 variant allele.
Comment: RANBP2: BP4

Laboratory of Genetics, Children's Clinical University Hospital Latvia
Classification: Likely benign. Last evaluated: 2025-02-16. Review status: criteria provided, single submitter. Criteria: ACMG Guidelines, 2015. Collection method: clinical testing. Allele origin: germline. Affected: yes.

Blueprint Genetics
Classification: Likely benign. Last evaluated: 2024-11-11. Review status: criteria provided, single submitter. Criteria: ACMG Guidelines, 2015. Collection method: clinical testing. Allele origin: germline.

Labcorp Genetics (formerly Invitae), Labcorp
Classification: Likely benign for Familial acute necrotizing encephalopathy. Last evaluated: 2022-11-29. Review status: criteria provided, single submitter. Criteria: Invitae Variant Classification Sherloc (09022015). Collection method: clinical testing. Allele origin: germline.

Ambry Genetics
Classification: Uncertain significance. Last evaluated: 2021-11-30. Review status: criteria provided, single submitter. Criteria: Ambry Variant Classification Scheme 2023. Collection method: clinical testing. Allele origin: germline.

GeneDx
Classification: Likely benign. Last evaluated: 2018-01-31. Review status: criteria provided, single submitter. Criteria: GeneDx Variant Classification (06012015). Collection method: clinical testing. Allele origin: germline. Affected: yes.
Comment: This variant is considered likely benign or benign based on one or more of the following criteria: it is a conservative change, it occurs at a poorly conserved position in the protein, it is predicted to be benign by multiple in silico algorithms, and/or has population frequency not consistent with disease.

NM_006267.5(RANBP2):c.7463T>C (p.Val2488Ala)

Gene: RANBP2 (RAN binding protein 2; plus strand). Cytogenetic location: 2q13.
Variant type: single nucleotide variant.
Coding change: c.7463T>C on transcript NM_006267.5 (MANE Select); coding-DNA position 7463, T replaced by C.
Protein change: p.Val2488Ala; replaces valine 2488 with alanine.
Molecular consequence: missense variant.
Genome position (GRCh38, 1-based): chr2:108,768,002, T>C. VCF-style: chr2-108768002-T-C. GRCh37 (hg19) VCF-style: chr2-109384458-T-C.
Other names: short protein forms V2488A.
Identifiers: ClinVar variation 517033 (VCV000517033.16), dbSNP rs189289937, ClinGen allele CA1823594.